The following is an entry in ClinVar:

ClinVar aggregate classification (germline): Uncertain significance (1 of 4 stars; one submission).

Conditions:
Combined oxidative phosphorylation defect type 17. Also called: Combined oxidative phosphorylation deficiency 17. Identifiers: Orphanet 369913, MedGen C3809526, MONDO:0014190, OMIM 615440.

Allele frequency attached by ClinVar (database versions not stated): gnomAD exomes below 0.00001 and 0.00001; gnomAD 0.00001; TOPMed 0.00001.
gnomAD v4.1: 6 of 1,604,690 alleles (0.00037%); highest among the groups gnomAD compares: Non-Finnish European, 0.00042%; no homozygotes.

Submission:

Labcorp Genetics (formerly Invitae), Labcorp
Classification: Uncertain significance for Combined oxidative phosphorylation defect type 17. Last evaluated: 2024-02-20. Review status: criteria provided, single submitter. Criteria: Invitae Variant Classification Sherloc (09022015). Collection method: clinical testing. Allele origin: germline.
Comment: This sequence change replaces serine, which is neutral and polar, with leucine, which is neutral and non-polar, at codon 49 of the ELAC2 protein (p.Ser49Leu). The frequency data for this variant in the population databases is considered unreliable, as metrics indicate poor data quality at this position in the gnomAD database. This variant has not been reported in the literature in individuals affected with ELAC2-related conditions. ClinVar contains an entry for this variant (Variation ID: 945865). An algorithm developed to predict the effect of missense changes on protein structure and function (PolyPhen-2) suggests that this variant is likely to be tolerated. In summary, the available evidence is currently insufficient to determine the role of this variant in disease. Therefore, it has been classified as a Variant of Uncertain Significance.

NM_018127.7(ELAC2):c.146C>T (p.Ser49Leu)

Gene: ELAC2 (elaC ribonuclease Z 2; minus strand). Cytogenetic location: 17p12.
Variant type: single nucleotide variant.
Coding change: c.146C>T on transcript NM_018127.7 (MANE Select); coding-DNA position 146, C replaced by T.
Protein change: p.Ser49Leu; replaces serine 49 with leucine.
Molecular consequence: missense variant.
Genome position (GRCh38, 1-based): chr17:13,017,802, G>A on the plus strand (C>T on the coding strand, the complement: ELAC2 is on the minus strand). VCF-style: chr17-13017802-G-A. GRCh37 (hg19) VCF-style: chr17-12921119-G-A.
Other names: c.146C>T, p.Ser49Leu (NM_001165962.2, NM_173717.2); short protein forms S49L.
Identifiers: ClinVar variation 945865 (VCV000945865.6), dbSNP rs1235154753, ClinGen allele CA398219070.
Genomic context (GRCh38, chr17:13,017,802, plus strand): 5'-TCCCGGCTACCCGCTGCCACCACCTGCAGGTACACGGTGTTTGGGCCGCCGGAGCACCCC[G>A]ACGGTCCGCGCTTCTCTCGCGTGCGCAGGTGCCGCAGCGGGTCCTTGCGCGGCCGCTCGC-3'
Protein context (NP_060597.4, residues 39-59): HLRTREKRGP[Ser49Leu]GCSGGPNTVY